The following is an entry in ClinVar:

NM_013266.4(CTNNA3):c.323T>C (p.Phe108Ser)

Gene: CTNNA3 (catenin alpha 3; minus strand). Cytogenetic location: 10q21.3.
Variant type: single nucleotide variant.
Coding change: c.323T>C on transcript NM_013266.4 (MANE Select); coding-DNA position 323, T replaced by C.
Protein change: p.Phe108Ser; replaces phenylalanine 108 with serine.
Molecular consequence: missense variant.
Genome position (GRCh38, 1-based): chr10:67,539,639, A>G on the plus strand (T>C on the coding strand, the complement: CTNNA3 is on the minus strand). VCF-style: chr10-67539639-A-G. GRCh37 (hg19) VCF-style: chr10-69299397-A-G.
Other names: c.323T>C, p.Phe108Ser (NM_001127384.3); c.359T>C, p.Phe120Ser (NM_001291133.2); short protein forms F108S, F120S.
Identifiers: ClinVar variation 1054551 (VCV001054551.11), dbSNP rs1206597536, ClinGen allele CA377097988.

ClinVar aggregate classification (germline): Uncertain significance. Review status: criteria provided, multiple submitters, no conflicts (2 of 4 stars). 2 submissions from 2 submitters: Uncertain significance (2). Last evaluated 2022-09-26.

Conditions:
Arrhythmogenic right ventricular dysplasia 13. Also called: ARRHYTHMOGENIC RIGHT VENTRICULAR CARDIOMYOPATHY 13; Arrhythmogenic right ventricular dysplasia, familial, 13. Identifiers: MedGen C3810138, MONDO:0000908, OMIM 615616.

Allele frequency attached by ClinVar (database versions not stated): gnomAD exomes below 0.00001; TOPMed below 0.00001; gnomAD 0.00001.
gnomAD v4.1: 5 of 1,613,572 alleles (0.00031%); highest among the groups gnomAD compares: Non-Finnish European, 0.00034%; no homozygotes.

Submissions (2):

Ambry Genetics
Classification: Uncertain significance. Last evaluated: 2022-09-26. Review status: criteria provided, single submitter. Criteria: Ambry Variant Classification Scheme 2023. Collection method: clinical testing. Allele origin: germline.
Comment: The p.F108S variant (also known as c.323T>C), located in coding exon 3 of the CTNNA3 gene, results from a T to C substitution at nucleotide position 323. The phenylalanine at codon 108 is replaced by serine, an amino acid with highly dissimilar properties. This amino acid position is conserved. In addition, the in silico prediction for this alteration is inconclusive. Since supporting evidence is limited at this time, the clinical significance of this alteration remains unclear.

Labcorp Genetics (formerly Invitae), Labcorp
Classification: Uncertain significance for Arrhythmogenic right ventricular dysplasia 13. Last evaluated: 2021-06-03. Review status: criteria provided, single submitter. Criteria: Invitae Variant Classification Sherloc (09022015). Collection method: clinical testing. Allele origin: germline.
Comment: Algorithms developed to predict the effect of missense changes on protein structure and function are either unavailable or do not agree on the potential impact of this missense change (SIFT: "Deleterious"; PolyPhen-2: "Possibly Damaging"; Align-GVGD: "Class C0"). In summary, the available evidence is currently insufficient to determine the role of this variant in disease. Therefore, it has been classified as a Variant of Uncertain Significance. This variant has not been reported in the literature in individuals with CTNNA3-related conditions. This variant is not present in population databases (ExAC no frequency). This sequence change replaces phenylalanine with serine at codon 108 of the CTNNA3 protein (p.Phe108Ser). The phenylalanine residue is moderately conserved and there is a large physicochemical difference between phenylalanine and serine.